The following is an entry in ClinVar:

ClinVar aggregate classification (germline): Uncertain significance. Review status: criteria provided, multiple submitters, no conflicts (2 of 4 stars). 2 submissions from 2 submitters: Uncertain significance (2). Last evaluated 2024-05-10.

Conditions:
Fanconi anemia complementation group J. Also called: BRIP1-Related Fanconi Anemia. Identifiers: Orphanet 84, MedGen C1836860, MONDO:0012187, OMIM 609054.
Familial cancer of breast. Also called: hereditary breast carcinoma; BREAST CANCER, FAMILIAL; Hereditary breast cancer. Identifiers: Orphanet 227535, MedGen C0346153, MONDO:0016419, OMIM 114480. Disease mechanism: loss of function.

Allele frequency attached by ClinVar (database versions not stated): gnomAD exomes below 0.00001.
gnomAD v4.1: 1 of 1,614,184 alleles (0.000062%); highest among the groups gnomAD compares: Non-Finnish European, 0.000085%; no homozygotes.

Submissions (2):

GeneDx
Classification: Uncertain significance. Last evaluated: 2024-05-10. Review status: criteria provided, single submitter. Criteria: GeneDx Variant Classification Process June 2021. Collection method: clinical testing. Allele origin: germline. Affected: yes.
Comment: Not observed at significant frequency in large population cohorts (gnomAD); In silico analysis supports that this missense variant has a deleterious effect on protein structure/function; Has not been previously published as pathogenic or benign to our knowledge

Labcorp Genetics (formerly Invitae), Labcorp
Classification: Uncertain significance for Familial cancer of breast; Fanconi anemia complementation group J. Last evaluated: 2019-04-19. Review status: criteria provided, single submitter. Criteria: Invitae Variant Classification Sherloc (09022015). Collection method: clinical testing. Allele origin: germline.
Comment: This sequence change replaces tryptophan with cysteine at codon 592 of the BRIP1 protein (p.Trp592Cys). The tryptophan residue is highly conserved and there is a large physicochemical difference between tryptophan and cysteine. This variant is not present in population databases (ExAC no frequency). This variant has not been reported in the literature in individuals with BRIP1-related conditions. Algorithms developed to predict the effect of missense changes on protein structure and function (SIFT, PolyPhen-2, Align-GVGD) all suggest that this variant is likely to be disruptive, but these predictions have not been confirmed by published functional studies and their clinical significance is uncertain. In summary, the available evidence is currently insufficient to determine the role of this variant in disease. Therefore, it has been classified as a Variant of Uncertain Significance.

NM_032043.3(BRIP1):c.1776G>T (p.Trp592Cys)

Gene: BRIP1 (BRCA1 interacting DNA helicase 1; minus strand). Cytogenetic location: 17q23.2.
Variant type: single nucleotide variant.
Coding change: c.1776G>T on transcript NM_032043.3 (MANE Select); coding-DNA position 1776, G replaced by T.
Protein change: p.Trp592Cys; replaces tryptophan 592 with cysteine.
Molecular consequence: missense variant.
Genome position (GRCh38, 1-based): chr17:61,780,858, C>A on the plus strand (G>T on the coding strand, the complement: BRIP1 is on the minus strand). VCF-style: chr17-61780858-C-A. GRCh37 (hg19) VCF-style: chr17-59858219-C-A.
Other names: short protein forms W592C.
Identifiers: ClinVar variation 861305 (VCV000861305.11), dbSNP rs753023295, ClinGen allele CA400480279.
Genomic context (GRCh38, chr17:61,780,858, plus strand): 5'-CTGAGCAAGAAGACAAAATTTCCATTTACATGATGAGCTTACCACAGCTGGATTTAAGCA[C>A]CAAAAGTTTAGCACATGAACTGCAGTTTTCTGTCGTGAACGTTTCTTATTTTTTGGTAGA-3'
Protein context (NP_114432.2, residues 582-602): QKTAVHVLNF[Trp592Cys]CLNPAVAFSD